The following is an entry in ClinVar:

ClinVar aggregate classification (germline): Uncertain significance (1 of 4 stars; one submission).

Allele frequency attached by ClinVar (database versions not stated): gnomAD exomes below 0.00001; ExAC 0.00001.
gnomAD v4.1: 1 of 1,614,222 alleles (0.000062%); highest among the groups gnomAD compares: Admixed American, 0.0017%; no homozygotes.

Submission:

Labcorp Genetics (formerly Invitae), Labcorp
Classification: Uncertain significance. Last evaluated: 2025-12-15. Review status: criteria provided, single submitter. Criteria: Invitae Variant Classification Sherloc (09022015). Collection method: clinical testing. Allele origin: germline.
Comment: This sequence change replaces isoleucine, which is neutral and non-polar, with phenylalanine, which is neutral and non-polar, at codon 148 of the ABHD5 protein (p.Ile148Phe). This variant is present in population databases (rs777609553, gnomAD 0.003%). This variant has not been reported in the literature in individuals affected with ABHD5-related conditions. ClinVar contains an entry for this variant (Variation ID: 1912566). Invitae Evidence Modeling of protein sequence and biophysical properties (such as structural, functional, and spatial information, amino acid conservation, physicochemical variation, residue mobility, and thermodynamic stability) indicates that this missense variant is not expected to disrupt ABHD5 protein function with a negative predictive value of 80%. In summary, the available evidence is currently insufficient to determine the role of this variant in disease. Therefore, it has been classified as a Variant of Uncertain Significance.

NM_016006.6(ABHD5):c.442A>T (p.Ile148Phe)

Gene: ABHD5 (abhydrolase domain containing 5, lysophosphatidic acid acyltransferase; plus strand). Cytogenetic location: 3p21.33.
Variant type: single nucleotide variant.
Coding change: c.442A>T on transcript NM_016006.6 (MANE Select); coding-DNA position 442, A replaced by T.
Protein change: p.Ile148Phe; replaces isoleucine 148 with phenylalanine.
Molecular consequence: missense variant. On other transcripts: non-coding transcript variant (1).
Genome position (GRCh38, 1-based): chr3:43,702,523, A>T. VCF-style: chr3-43702523-A-T. GRCh37 (hg19) VCF-style: chr3-43744015-A-T.
Other names: c.442A>T, p.Ile148Phe (NM_001355186.2, NM_001365650.1); c.319A>T, p.Ile107Phe (NM_001365649.1); short protein forms I107F, I148F.
Identifiers: ClinVar variation 1912566 (VCV001912566.3), dbSNP rs777609553, ClinGen allele CA2341339.